The following is an entry in ClinVar:

NM_001042492.3(NF1):c.6013del (p.Asp2005fs)

Gene: NF1 (neurofibromin 1; plus strand). Cytogenetic location: 17q11.2.
Variant type: Deletion.
Coding change: c.6013del on transcript NM_001042492.3 (MANE Select); coding-DNA position 6013, one base deleted (G; older notation c.6013delG).
Protein change: p.Asp2005fs; shifts the reading frame from aspartic acid 2005.
Molecular consequence: frameshift variant.
Genome position (GRCh38, 1-based): chr17:31,336,339, G deleted. VCF-style (leftmost placement, unchanged base first): chr17-31336338-AG-A. GRCh37 (hg19) VCF-style: chr17-29663356-AG-A.
Other names: c.5950delG (NM_000267.3); c.5950delG, p.Asp1984Ilefs (NM_000267.4); short protein forms D2005fs, D1984fs.
Identifiers: ClinVar variation 826076 (VCV000826076.4), dbSNP rs1597842221, ClinGen allele CA915949894.
Genomic context (GRCh38, chr17:31,336,338, plus strand): 5'-TAAAAATTAAATTGGTAGAGTGATTAAAAACATGTTATTTTCCTTCTTCAACTAGATTAC[AG>A]ATCTGCTTGATGTTGTACTAGACAGTTTCATCAAAACCAGTGCAACAGGTGGCTTGGGAT-3'

ClinVar aggregate classification (germline): Pathogenic (1 of 4 stars; one submission).

Conditions:
Hereditary cancer-predisposing syndrome. Also called: Neoplastic Syndromes, Hereditary; Tumor predisposition; Hereditary neoplastic syndrome; Hereditary Cancer Syndrome. Identifiers: Orphanet 140162, MedGen C0027672, MeSH D009386, MONDO:0015356.
Cardiovascular phenotype. Identifiers: MedGen CN230736.

Submission:

Ambry Genetics
Classification: Pathogenic for Cardiovascular phenotype; Hereditary cancer-predisposing syndrome. Last evaluated: 2019-02-14. Review status: criteria provided, single submitter. Criteria: Ambry Variant Classification Scheme 2023. Collection method: clinical testing. Allele origin: germline.
Comment: The c.5950delG pathogenic mutation, located in coding exon 40 of the NF1 gene, results from a deletion of one nucleotide at nucleotide position 5950, causing a translational frameshift with a predicted alternate stop codon (p.D1984Ifs*7). This alteration is expected to result in loss of function by premature protein truncation or nonsense-mediated mRNA decay. As such, this alteration is interpreted as a disease-causing mutation.